The following is an entry in ClinVar:

NM_001378477.3(NYX):c.554A>T (p.Glu185Val)

Gene: NYX (nyctalopin; plus strand). Cytogenetic location: Xp11.4.
Variant type: single nucleotide variant.
Coding change: c.554A>T on transcript NM_001378477.3 (MANE Select); coding-DNA position 554, A replaced by T.
Protein change: p.Glu185Val; replaces glutamic acid 185 with valine.
Molecular consequence: missense variant.
Genome position (GRCh38, 1-based): chrX:41,474,022, A>T. VCF-style: chrX-41474022-A-T. GRCh37 (hg19) VCF-style: chrX-41333275-A-T.
Other names: c.554A>T, p.Glu185Val (NM_022567.3); short protein forms E185V.
Identifiers: ClinVar variation 1044397 (VCV001044397.8), dbSNP rs2064376121, ClinGen allele CA412990793.

ClinVar aggregate classification (germline): Uncertain significance (1 of 4 stars; one submission).

Submission:

Labcorp Genetics (formerly Invitae), Labcorp
Classification: Uncertain significance. Last evaluated: 2020-09-24. Review status: criteria provided, single submitter. Criteria: Invitae Variant Classification Sherloc (09022015). Collection method: clinical testing. Allele origin: germline.
Comment: Algorithms developed to predict the effect of sequence changes on RNA splicing suggest that this variant may create or strengthen a splice site, but this prediction has not been confirmed by published transcriptional studies. Algorithms developed to predict the effect of missense changes on protein structure and function are either unavailable or do not agree on the potential impact of this missense change (SIFT: "Deleterious"; PolyPhen-2: "Probably Damaging"; Align-GVGD: "Class C0"). This variant has not been reported in the literature in individuals with NYX-related conditions. The frequency data for this variant in the population databases is considered unreliable, as metrics indicate insufficient coverage at this position in the ExAC database. This sequence change replaces glutamic acid with valine at codon 190 of the NYX protein (p.Glu190Val). The glutamic acid residue is highly conserved and there is a moderate physicochemical difference between glutamic acid and valine. In summary, the available evidence is currently insufficient to determine the role of this variant in disease. Therefore, it has been classified as a Variant of Uncertain Significance.